The following is an entry in ClinVar:

NM_000075.4(CDK4):c.291C>A (p.Asp97Glu)

Gene: CDK4 (cyclin dependent kinase 4; minus strand). Cytogenetic location: 12q14.1.
Variant type: single nucleotide variant.
Coding change: c.291C>A on transcript NM_000075.4 (MANE Select); coding-DNA position 291, C replaced by A.
Protein change: p.Asp97Glu; replaces aspartic acid 97 with glutamic acid.
Molecular consequence: missense variant.
Genome position (GRCh38, 1-based): chr12:57,751,270, G>T on the plus strand (C>A on the coding strand, the complement: CDK4 is on the minus strand). VCF-style: chr12-57751270-G-T. GRCh37 (hg19) VCF-style: chr12-58145053-G-T.
Other names: short protein forms D97E.
Identifiers: ClinVar variation 1018837 (VCV001018837.12), dbSNP rs1595110740, ClinGen allele CA385547903.

ClinVar aggregate classification (germline): Conflicting classifications of pathogenicity. Review status: criteria provided, conflicting classifications (1 of 4 stars). 2 submissions from 2 submitters: Uncertain significance (1); Likely benign (1). Last evaluated 2024-03-20.

Conditions:
Hereditary cancer-predisposing syndrome. Also called: Tumor predisposition; Neoplastic Syndromes, Hereditary; Hereditary neoplastic syndrome; Hereditary Cancer Syndrome. Identifiers: Orphanet 140162, MedGen C0027672, MeSH D009386, MONDO:0015356.
Familial melanoma. Also called: Hereditary melanoma; Hereditary cutaneous melanoma. Identifiers: Orphanet 618, MedGen C1512419, MONDO:0018961.

Allele frequency attached by ClinVar (database versions not stated): gnomAD exomes below 0.00001.
gnomAD v4.1: 5 of 1,614,176 alleles (0.00031%); highest among the groups gnomAD compares: East Asian, 0.011%; no homozygotes.

Submissions (2):

Ambry Genetics
Classification: Likely benign for Hereditary cancer-predisposing syndrome. Last evaluated: 2024-03-20. Review status: criteria provided, single submitter. Criteria: Ambry Variant Classification Scheme 2023. Collection method: clinical testing. Allele origin: germline.

Labcorp Genetics (formerly Invitae), Labcorp
Classification: Uncertain significance for Familial melanoma. Last evaluated: 2023-06-09. Review status: criteria provided, single submitter. Criteria: Invitae Variant Classification Sherloc (09022015). Collection method: clinical testing. Allele origin: germline.
Comment: This variant is not present in population databases (gnomAD no frequency). In summary, the available evidence is currently insufficient to determine the role of this variant in disease. Therefore, it has been classified as a Variant of Uncertain Significance. Advanced modeling of protein sequence and biophysical properties (such as structural, functional, and spatial information, amino acid conservation, physicochemical variation, residue mobility, and thermodynamic stability) performed at Invitae indicates that this missense variant is not expected to disrupt CDK4 protein function. ClinVar contains an entry for this variant (Variation ID: 1018837). This variant has not been reported in the literature in individuals affected with CDK4-related conditions. This sequence change replaces aspartic acid, which is acidic and polar, with glutamic acid, which is acidic and polar, at codon 97 of the CDK4 protein (p.Asp97Glu).